The following is an entry in ClinVar:

NM_000069.3(CACNA1S):c.2795T>G (p.Val932Gly)

Gene: CACNA1S (calcium voltage-gated channel subunit alpha1 S; minus strand). Cytogenetic location: 1q32.1.
Variant type: single nucleotide variant.
Coding change: c.2795T>G on transcript NM_000069.3 (MANE Select); coding-DNA position 2795, T replaced by G.
Protein change: p.Val932Gly; replaces valine 932 with glycine.
Molecular consequence: missense variant.
Genome position (GRCh38, 1-based): chr1:201,065,896, A>C on the plus strand (T>G on the coding strand, the complement: CACNA1S is on the minus strand). VCF-style: chr1-201065896-A-C. GRCh37 (hg19) VCF-style: chr1-201035024-A-C.
Other names: short protein forms V932G.
Identifiers: ClinVar variation 3070944 (VCV003070944.1), dbSNP rs2464518633, ClinGen allele CA344101501.

ClinVar aggregate classification (germline): Uncertain significance (1 of 4 stars; one submission).

Conditions:
Malignant hyperthermia, susceptibility to, 5 (MHS5). Also called: CACNA1S-Related Malignant Hyperthermia Susceptibility. Identifiers: Orphanet 423, MedGen C1866077, MONDO:0011163, OMIM 601887.

Allele frequency attached by ClinVar (database versions not stated): gnomAD exomes below 0.00001.
gnomAD v4.1: 3 of 1,614,146 alleles (0.00019%); highest among the groups gnomAD compares: Non-Finnish European, 0.00025%; no homozygotes.

Submission:

All of Us Research Program, National Institutes of Health
Classification: Uncertain significance for Malignant hyperthermia, susceptibility to, 5. Last evaluated: 2023-05-15. Review status: criteria provided, single submitter. Criteria: ACMG Guidelines, 2015. Collection method: clinical testing. Allele origin: germline. Inheritance: Autosomal dominant inheritance. Observed: 1 variant allele, 1 heterozygote.
Comment: This missense variant replaces valine with glycine at codon 932 of the CACNA1S protein. Computational prediction suggests that this variant may have deleterious impact on protein structure and function (internally defined REVEL score threshold >= 0.7, PMID: 27666373). To our knowledge, functional studies have not been reported for this variant. This variant has not been reported in individuals affected with CACNA1S-related disorders in the literature. This variant has not been identified in the general population by the Genome Aggregation Database (gnomAD). The available evidence is insufficient to determine the role of this variant in disease conclusively. Therefore, this variant is classified as a Variant of Uncertain Significance.

This study involves interpretation of variants in research participants for the purpose of population health screening. Participant phenotype was not available at the time of variant classification. Additional details can be found in publication PMID: 35346344, PMCID: PMC8962531